The following is an entry in ClinVar:

NM_001166108.2(PALLD):c.2627G>A (p.Arg876His)

Genes: PALLD (palladin, cytoskeletal associated protein; plus strand), CBR4 (carbonyl reductase 4; minus strand). Cytogenetic location: 4q32.3.
Variant type: single nucleotide variant.
Coding change: c.2627G>A on transcript NM_001166108.2 (MANE Select); coding-DNA position 2627, G replaced by A.
Protein change: p.Arg876His; replaces arginine 876 with histidine.
Molecular consequence: missense variant.
Genome position (GRCh38, 1-based): chr4:168,913,931, G>A. VCF-style: chr4-168913931-G-A. GRCh37 (hg19) VCF-style: chr4-169835082-G-A.
Other names: c.1430G>A, p.Arg477His (NM_001166109.2); c.1115G>A, p.Arg372His (NM_001166110.2); c.455G>A, p.Arg152His (NM_001367567.1, NM_001367569.1); c.506G>A, p.Arg169His (NM_001367568.1, NM_001367570.1); c.2576G>A, p.Arg859His (NM_016081.4); c.2576G>A (NM_016081.3); short protein forms R876H, R372H, R152H, R169H, R477H, R859H.
Identifiers: ClinVar variation 650493 (VCV000650493.9), dbSNP rs115274645, ClinGen allele CA3135918.

ClinVar aggregate classification (germline): Uncertain significance. Review status: criteria provided, multiple submitters, no conflicts (2 of 4 stars). 3 submissions from 3 submitters: Uncertain significance (3). Last evaluated 2025-07-31.

Conditions:
Pancreatic adenocarcinoma. Identifiers: MedGen C0281361, MONDO:0006047, HP:0006725.
Pancreatic cancer, susceptibility to, 1. Identifiers: Orphanet 1333, MedGen C1847351, MONDO:0011739, OMIM 606856.

Allele frequency attached by ClinVar (database versions not stated): TOPMed below 0.00001; gnomAD 0.00001; gnomAD exomes 0.00003 and 0.00007; ExAC 0.00007.
gnomAD v4.1: 43 of 1,603,598 alleles (0.0027%); highest among the groups gnomAD compares: South Asian, 0.034%; no homozygotes.

Submissions (3):

Labcorp Genetics (formerly Invitae), Labcorp
Classification: Uncertain significance for Pancreatic adenocarcinoma. Last evaluated: 2025-07-31. Review status: criteria provided, single submitter. Criteria: Invitae Variant Classification Sherloc (09022015). Collection method: clinical testing. Allele origin: germline.
Comment: This sequence change replaces arginine, which is basic and polar, with histidine, which is basic and polar, at codon 372 of the PALLD protein (p.Arg372His). This variant is present in population databases (rs115274645, gnomAD 0.05%), and has an allele count higher than expected for a pathogenic variant. This variant has not been reported in the literature in individuals affected with PALLD-related conditions. ClinVar contains an entry for this variant (Variation ID: 650493). An algorithm developed to predict the effect of missense changes on protein structure and function (PolyPhen-2) suggests that this variant is likely to be disruptive. In summary, the available evidence is currently insufficient to determine the role of this variant in disease. Therefore, it has been classified as a Variant of Uncertain Significance.

Fulgent Genetics
Classification: Uncertain significance for Pancreatic cancer, susceptibility to, 1. Last evaluated: 2024-02-16. Review status: criteria provided, single submitter. Criteria: ACMG Guidelines, 2015. Collection method: clinical testing. Allele origin: germline.

Ambry Genetics
Classification: Uncertain significance. Last evaluated: 2023-03-02. Review status: criteria provided, single submitter. Criteria: Ambry Variant Classification Scheme 2023. Collection method: clinical testing. Allele origin: germline.
Comment: The p.R859H variant (also known as c.2576G>A), located in coding exon 14 of the PALLD gene, results from a G to A substitution at nucleotide position 2576. The arginine at codon 859 is replaced by histidine, an amino acid with highly similar properties. This amino acid position is conserved. In addition, the in silico prediction for this alteration is inconclusive. Since supporting evidence is limited at this time, the clinical significance of this alteration remains unclear.